The following is an entry in ClinVar:

NM_001378778.1(MPDZ):c.4855A>G (p.Thr1619Ala)

Gene: MPDZ (multiple PDZ domain crumbs cell polarity complex component; minus strand). Cytogenetic location: 9p23.
Variant type: single nucleotide variant.
Coding change: c.4855A>G on transcript NM_001378778.1 (MANE Select); coding-DNA position 4855, A replaced by G.
Protein change: p.Thr1619Ala; replaces threonine 1619 with alanine.
Molecular consequence: missense variant.
Genome position (GRCh38, 1-based): chr9:13,123,251, T>C on the plus strand (A>G on the coding strand, the complement: MPDZ is on the minus strand). VCF-style: chr9-13123251-T-C. GRCh37 (hg19) VCF-style: chr9-13123250-T-C.
Other names: c.4756A>G, p.Thr1586Ala (NM_001261406.2, NM_001261407.2, NM_001375416.1 and 3 more transcripts); c.4855A>G, p.Thr1619Ala (NM_001330637.2, NM_003829.5); c.4954A>G, p.Thr1652Ala (NM_001375413.1); c.4645A>G, p.Thr1549Ala (NM_001375420.1, NM_001375421.1, NM_001375422.1 and 4 more transcripts); c.4447A>G, p.Thr1483Ala (NM_001375427.1); short protein forms T1549A, T1586A, T1619A, T1483A, T1652A.
Identifiers: ClinVar variation 1385923 (VCV001385923.4), dbSNP rs762508950, ClinGen allele CA4986547.

ClinVar aggregate classification (germline): Uncertain significance (1 of 4 stars; one submission).

Allele frequency attached by ClinVar (database versions not stated): ExAC 0.00003; gnomAD 0.00004; gnomAD exomes 0.00008.
gnomAD v4.1: 53 of 1,613,282 alleles (0.0033%); highest among the groups gnomAD compares: African/African-American, 0.0027%; no homozygotes.

Submission:

Labcorp Genetics (formerly Invitae), Labcorp
Classification: Uncertain significance. Last evaluated: 2023-07-03. Review status: criteria provided, single submitter. Criteria: Invitae Variant Classification Sherloc (09022015). Collection method: clinical testing. Allele origin: germline.
Comment: This variant has not been reported in the literature in individuals affected with MPDZ-related conditions. In summary, the available evidence is currently insufficient to determine the role of this variant in disease. Therefore, it has been classified as a Variant of Uncertain Significance. Algorithms developed to predict the effect of sequence changes on RNA splicing suggest that this variant may create or strengthen a splice site. An algorithm developed to predict the effect of missense changes on protein structure and function (PolyPhen-2) suggests that this variant is likely to be disruptive. ClinVar contains an entry for this variant (Variation ID: 1385923). This variant is present in population databases (rs762508950, gnomAD 0.2%). This sequence change replaces threonine, which is neutral and polar, with alanine, which is neutral and non-polar, at codon 1619 of the MPDZ protein (p.Thr1619Ala).